The following is an entry in ClinVar:

ClinVar aggregate classification (germline): Uncertain significance (1 of 4 stars; one submission).

Allele frequency attached by ClinVar (database versions not stated): gnomAD 0.00002; TOPMed 0.00002; ExAC 0.00004; ESP Exome Variant Server 0.00008.
gnomAD v4.1: 60 of 1,613,842 alleles (0.0037%); highest among the groups gnomAD compares: Admixed American, 0.005%; no homozygotes.

Submission:

Labcorp Genetics (formerly Invitae), Labcorp
Classification: Uncertain significance. Last evaluated: 2025-06-03. Review status: criteria provided, single submitter. Criteria: Invitae Variant Classification Sherloc (09022015). Collection method: clinical testing. Allele origin: germline.
Comment: This sequence change replaces isoleucine, which is neutral and non-polar, with valine, which is neutral and non-polar, at codon 249 of the DVL1 protein (p.Ile249Val). This variant is present in population databases (rs371052835, gnomAD 0.01%). This variant has not been reported in the literature in individuals affected with DVL1-related conditions. ClinVar contains an entry for this variant (Variation ID: 1981004). Invitae Evidence Modeling of protein sequence and biophysical properties (such as structural, functional, and spatial information, amino acid conservation, physicochemical variation, residue mobility, and thermodynamic stability) indicates that this missense variant is not expected to disrupt DVL1 protein function with a negative predictive value of 80%. In summary, the available evidence is currently insufficient to determine the role of this variant in disease. Therefore, it has been classified as a Variant of Uncertain Significance.

NM_001330311.2(DVL1):c.745A>G (p.Ile249Val)

Gene: DVL1 (dishevelled segment polarity protein 1; minus strand). Cytogenetic location: 1p36.33.
Variant type: single nucleotide variant.
Coding change: c.745A>G on transcript NM_001330311.2 (MANE Select); coding-DNA position 745, A replaced by G.
Protein change: p.Ile249Val; replaces isoleucine 249 with valine.
Molecular consequence: missense variant.
Genome position (GRCh38, 1-based): chr1:1,340,271, T>C on the plus strand (A>G on the coding strand, the complement: DVL1 is on the minus strand). VCF-style: chr1-1340271-T-C. GRCh37 (hg19) VCF-style: chr1-1275651-T-C.
Other names: c.745A>G, p.Ile249Val (NM_004421.3); short protein forms I249V.
Identifiers: ClinVar variation 1981004 (VCV001981004.4), dbSNP rs371052835, ClinGen allele CA520452.